The following is an entry in ClinVar:

ClinVar aggregate classification (germline): Likely pathogenic (1 of 4 stars; one submission).

Conditions:
Stickler syndrome type 1 (STL1). Also called: ARTHROOPHTHALMOPATHY, HEREDITARY PROGRESSIVE; STICKLER SYNDROME, MEMBRANOUS VITREOUS TYPE; STICKLER SYNDROME, VITREOUS TYPE 1; COL2A1-Related Stickler Syndrome. Identifiers: Orphanet 828, Orphanet 90653, MedGen C2020284, MONDO:0007160, OMIM 108300.

Submission:

3billion
Classification: Likely pathogenic for Stickler syndrome type 1. Last evaluated: 2022-05-22. Review status: criteria provided, single submitter. Criteria: ACMG Guidelines, 2015. Collection method: clinical testing. Allele origin: germline. Affected: yes. Observed: 1 heterozygote.
Comment: The variant is not observed in the gnomAD v2.1.1 dataset. Frameshift: predicted to result in a loss or disruption of normal protein function through nonsense-mediated decay (NMD) or protein truncation. Multiple pathogenic variants are reported downstream of the variant. Therefore, this variant is classified as likely pathogenic according to the recommendation of ACMG/AMP guideline.

NM_001844.5(COL2A1):c.2369_2387del (p.Pro790fs)

Gene: COL2A1 (collagen type II alpha 1 chain; minus strand). Cytogenetic location: 12q13.11.
Variant type: Deletion.
Coding change: c.2369_2387del on transcript NM_001844.5 (MANE Select); coding-DNA positions 2369 to 2387, 19 bases deleted (CCATTGGCCCCCCTGGCCC).
Protein change: p.Pro790fs; shifts the reading frame from proline 790.
Molecular consequence: frameshift variant.
Genome position (GRCh38, 1-based): chr12:47,981,798-47,981,816, GGGCCAGGGGGGCCAATGG deleted on the plus strand (CCATTGGCCCCCCTGGCCC on the coding strand, the reverse complement: COL2A1 is on the minus strand); deleting any 19 consecutive bases within chr12:47,981,798-47,981,817 gives the same sequence; the c. name uses the placement nearest the transcript's 3' end. VCF-style (leftmost placement, unchanged base first): chr12-47981797-TGGGCCAGGGGGGCCAATGG-T. GRCh37 (hg19) VCF-style: chr12-48375580-TGGGCCAGGGGGGCCAATGG-T.
Other names: c.2162_2180del, p.Pro721fs (NM_033150.3); short protein forms P721fs, P790fs.
Identifiers: ClinVar variation 1687304 (VCV001687304.1), dbSNP rs2136544726, ClinGen allele CA2573148587.